The following is an entry in ClinVar:

NM_006231.4(POLE):c.706C>G (p.Leu236Val)

Gene: POLE (DNA polymerase epsilon, catalytic subunit; minus strand). Cytogenetic location: 12q24.33.
Variant type: single nucleotide variant.
Coding change: c.706C>G on transcript NM_006231.4 (MANE Select); coding-DNA position 706, C replaced by G.
Protein change: p.Leu236Val; replaces leucine 236 with valine.
Molecular consequence: missense variant.
Genome position (GRCh38, 1-based): chr12:132,677,592, G>C on the plus strand (C>G on the coding strand, the complement: POLE is on the minus strand). VCF-style: chr12-132677592-G-C. GRCh37 (hg19) VCF-style: chr12-133254178-G-C.
Other names: short protein forms L236V.
Identifiers: ClinVar variation 661594 (VCV000661594.11), dbSNP rs553397628, ClinGen allele CA6894232.

ClinVar aggregate classification (germline): Uncertain significance. Review status: criteria provided, multiple submitters, no conflicts (2 of 4 stars). 3 submissions from 3 submitters: Uncertain significance (3). Last evaluated 2025-08-17.

Conditions:
Facial dysmorphism-immunodeficiency-livedo-short stature syndrome. Also called: Facial dysmorphism, immunodeficiency, livedo, and short stature; FILS syndrome. Identifiers: Orphanet 352712, MedGen C3554576, MONDO:0014058, OMIM 615139.
Hereditary cancer-predisposing syndrome. Also called: Neoplastic Syndromes, Hereditary; Tumor predisposition; Hereditary neoplastic syndrome; Hereditary Cancer Syndrome. Identifiers: Orphanet 140162, MedGen C0027672, MeSH D009386, MONDO:0015356.

Allele frequency attached by ClinVar (database versions not stated): TOPMed 0.00001; 1000 Genomes Project 30x 0.00016; 1000 Genomes Project 0.00020.
gnomAD v4.1: 6 of 1,614,186 alleles (0.00037%); highest among the groups gnomAD compares: South Asian, 0.0033%; 1 homozygote.

Submissions (3):

Labcorp Genetics (formerly Invitae), Labcorp
Classification: Uncertain significance. Last evaluated: 2025-08-17. Review status: criteria provided, single submitter. Criteria: Invitae Variant Classification Sherloc (09022015). Collection method: clinical testing. Allele origin: germline.
Comment: This sequence change replaces leucine, which is neutral and non-polar, with valine, which is neutral and non-polar, at codon 236 of the POLE protein (p.Leu236Val). This variant is present in population databases (rs553397628, gnomAD 0.007%). This variant has not been reported in the literature in individuals affected with POLE-related conditions. ClinVar contains an entry for this variant (Variation ID: 661594). Invitae Evidence Modeling of protein sequence and biophysical properties (such as structural, functional, and spatial information, amino acid conservation, physicochemical variation, residue mobility, and thermodynamic stability) indicates that this missense variant is not expected to disrupt POLE protein function with a negative predictive value of 80%. In summary, the available evidence is currently insufficient to determine the role of this variant in disease. Therefore, it has been classified as a Variant of Uncertain Significance.

Ambry Genetics
Classification: Uncertain significance for Hereditary cancer-predisposing syndrome. Last evaluated: 2025-06-14. Review status: criteria provided, single submitter. Criteria: Ambry Variant Classification Scheme 2023. Collection method: clinical testing. Allele origin: germline.
Comment: The p.L236V variant (also known as c.706C>G), located in coding exon 7 of the POLE gene, results from a C to G substitution at nucleotide position 706. The leucine at codon 236 is replaced by valine, an amino acid with highly similar properties. This amino acid position is conserved. In addition, this alteration is predicted to be tolerated by in silico analysis. Since supporting evidence is limited at this time, the clinical significance of this alteration remains unclear.

Baylor Genetics
Classification: Uncertain significance for Facial dysmorphism-immunodeficiency-livedo-short stature syndrome. Last evaluated: 2022-01-11. Review status: criteria provided, single submitter. Criteria: ACMG Guidelines, 2015. Collection method: clinical testing. Allele origin: maternal. Affected: yes. Study: CSER-TexasKidsCanSeq.
Comment: This variant was determined to be of uncertain significance according to ACMG Guidelines, 2015 [PMID:25741868].